The following is an entry in ClinVar:

NM_018972.4(GDAP1):c.965C>T (p.Thr322Met)

Gene: GDAP1 (ganglioside induced differentiation associated protein 1; plus strand). Cytogenetic location: 8q21.11.
Variant type: single nucleotide variant.
Coding change: c.965C>T on transcript NM_018972.4 (MANE Select); coding-DNA position 965, C replaced by T.
Protein change: p.Thr322Met; replaces threonine 322 with methionine.
Molecular consequence: missense variant. On other transcripts: intron variant (1).
Genome position (GRCh38, 1-based): chr8:74,364,255, C>T. VCF-style: chr8-74364255-C-T. GRCh37 (hg19) VCF-style: chr8-75276490-C-T.
Other names: p.Thr322Met; c.761C>T, p.Thr254Met (NM_001040875.4); c.638C>T, p.Thr213Met (NM_001362929.2, NM_001362932.2); c.791C>T, p.Thr264Met (NM_001362930.2); c.694+1202C>T (NM_001362931.2); short protein forms T322M, T213M, T254M, T264M.
Identifiers: ClinVar variation 467776 (VCV000467776.25), dbSNP rs199529910, ClinGen allele CA4785221.

ClinVar aggregate classification (germline): Conflicting classifications of pathogenicity. Review status: criteria provided, conflicting classifications (1 of 4 stars). 10 submissions from 9 submitters: Uncertain significance (5); Likely benign (5). Last evaluated 2025-10-21.

Conditions:
GDAP1-related disorder. Also called: GDAP1-related disorders; GDAP1-related condition.
Inborn genetic diseases. Identifiers: MedGen C0950123, MeSH D030342.
Charcot-Marie-Tooth disease. Also called: Charcot-Marie-Tooth Neuropathy; Charcot-Marie-Tooth Hereditary Neuropathy. Identifiers: Orphanet 166, MedGen C0007959, MONDO:0015626.
Charcot-Marie-Tooth disease, axonal, with vocal cord paresis, autosomal recessive. Also called: CHARCOT-MARIE-TOOTH DISEASE, TYPE 4A, AXONAL FORM; CHARCOT-MARIE-TOOTH NEUROPATHY, AXONAL, WITH VOCAL CORD PARESIS, AUTOSOMAL RECESSIVE; CMT2 WITH VOCAL CORD PARESIS, AUTOSOMAL RECESSIVE. Identifiers: Orphanet 101097, MedGen C1843183, MONDO:0011898, OMIM 607706.
Charcot-Marie-Tooth disease type 4A. Also called: Charcot-Marie-Tooth disease, demyelinating, autosomal recessive, type 4a. Identifiers: Orphanet 99948, MedGen C1859198, MONDO:0008961, OMIM 214400.
Charcot-Marie-Tooth disease recessive intermediate A (CMTRIA). Also called: CHARCOT-MARIE-TOOTH NEUROPATHY, RECESSIVE INTERMEDIATE A. Identifiers: Orphanet 217055, MedGen C1842197, MONDO:0012014, OMIM 608340.

Allele frequency attached by ClinVar (database versions not stated): ESP Exome Variant Server 0.00008; gnomAD 0.00012 and 0.00013; TOPMed 0.00015; gnomAD exomes 0.00017 and 0.00030; ExAC 0.00035.
gnomAD v4.1: 286 of 1,614,016 alleles (0.018%); highest among the groups gnomAD compares: Admixed American, 0.023%; 1 homozygote.

Submissions (10):

Labcorp Genetics (formerly Invitae), Labcorp
Classification: Likely benign for Charcot-Marie-Tooth disease type 4A. Last evaluated: 2025-10-21. Review status: criteria provided, single submitter. Criteria: Invitae Variant Classification Sherloc (09022015). Collection method: clinical testing. Allele origin: germline.

PreventionGenetics, part of Exact Sciences
Classification: Likely benign for GDAP1-related condition. Last evaluated: 2025-07-31. Review status: criteria provided, single submitter. Criteria: ACMG Guidelines, 2015. Collection method: clinical testing. Allele origin: germline.
Comment: This variant is classified as likely benign based on ACMG/AMP sequence variant interpretation guidelines (Richards et al. 2015 PMID: 25741868, with internal and published modifications).

Athena Diagnostics
Classification: Likely benign. Last evaluated: 2024-08-06. Review status: criteria provided, single submitter. Criteria: Athena Diagnostics Criteria. Collection method: clinical testing. Allele origin: unknown.

Mayo Clinic Laboratories, Mayo Clinic
Classification: Uncertain significance. Last evaluated: 2023-09-21. Review status: criteria provided, single submitter. Criteria: ACMG Guidelines, 2015. Collection method: clinical testing. Allele origin: germline. Observed: 1 variant allele.
Comment: BS1

Ambry Genetics
Classification: Likely benign for Inborn genetic diseases. Last evaluated: 2022-04-27. Review status: criteria provided, single submitter. Criteria: Ambry Variant Classification Scheme 2023. Collection method: clinical testing. Allele origin: germline.

Revvity Omics, Revvity
Classification: Uncertain significance. Last evaluated: 2021-11-25. Review status: criteria provided, single submitter. Criteria: ACMG Guidelines, 2015. Collection method: clinical testing. Allele origin: germline.

GeneDx
Classification: Likely benign. Last evaluated: 2021-03-11. Review status: criteria provided, single submitter. Criteria: GeneDx Variant Classification Process June 2021. Collection method: clinical testing. Allele origin: germline. Affected: yes.
Comment: This variant is associated with the following publications: (PMID: 25614874)

Illumina Laboratory Services, Illumina
Classification: Uncertain significance for Charcot-Marie-Tooth disease recessive intermediate A. Last evaluated: 2017-04-27. Review status: criteria provided, single submitter. Criteria: ICSL Variant Classification Criteria 13 December 2019. Collection method: clinical testing. Allele origin: germline.

Illumina Laboratory Services, Illumina
Classification: Uncertain significance for Charcot-Marie-Tooth disease, axonal, with vocal cord paresis, autosomal recessive. Last evaluated: 2017-04-27. Review status: criteria provided, single submitter. Criteria: ICSL Variant Classification Criteria 13 December 2019. Collection method: clinical testing. Allele origin: germline.

Molecular Genetics Laboratory, London Health Sciences Centre
Classification: Uncertain significance for Charcot-Marie-Tooth disease. Review status: criteria provided, single submitter. Criteria: ACMG Guidelines, 2015. Collection method: clinical testing. Allele origin: germline. Affected: yes.

Literature cited by the submitters: PubMed 26392352 (cited by Athena Diagnostics); PubMed 25614874 (cited by Athena Diagnostics); PubMed 36801589 (cited by Mayo Clinic Laboratories, Mayo Clinic).